The following is an entry in ClinVar:

NM_003070.5(SMARCA2):c.3626C>T (p.Ser1209Leu)

Gene: SMARCA2 (SWI/SNF related BAF chromatin remodeling complex subunit ATPase 2; plus strand). Cytogenetic location: 9p24.3.
Variant type: single nucleotide variant.
Coding change: c.3626C>T on transcript NM_003070.5 (MANE Select); coding-DNA position 3626, C replaced by T.
Protein change: p.Ser1209Leu; replaces serine 1209 with leucine.
Molecular consequence: missense variant.
Genome position (GRCh38, 1-based): chr9:2,115,991, C>T. VCF-style: chr9-2115991-C-T. GRCh37 (hg19) VCF-style: chr9-2115991-C-T.
Other names: c.3626C>T, p.Ser1209Leu (NM_001289396.2, NM_139045.4); c.3452C>T, p.Ser1151Leu (NM_001289397.2); short protein forms S1151L, S1209L.
Identifiers: ClinVar variation 4527711 (VCV004527711.1).

ClinVar aggregate classification (germline): Uncertain significance (1 of 4 stars; one submission).

Submission:

GeneDx
Classification: Uncertain significance. Last evaluated: 2025-04-25. Review status: criteria provided, single submitter. Criteria: GeneDx Variant Classification Process June 2021. Collection method: clinical testing. Allele origin: germline. Affected: yes.
Comment: Not observed at significant frequency in large population cohorts (gnomAD); In silico analysis supports that this missense variant has a deleterious effect on protein structure/function; Has not been previously published as pathogenic or benign to our knowledge